The following is an entry in ClinVar:

NM_012330.4(KAT6B):c.1839T>G (p.Ile613Met)

Gene: KAT6B (lysine acetyltransferase 6B; plus strand). Cytogenetic location: 10q22.2.
Variant type: single nucleotide variant.
Coding change: c.1839T>G on transcript NM_012330.4 (MANE Select); coding-DNA position 1839, T replaced by G.
Protein change: p.Ile613Met; replaces isoleucine 613 with methionine.
Molecular consequence: missense variant. On other transcripts: intron variant (13).
Genome position (GRCh38, 1-based): chr10:74,976,176, T>G. VCF-style: chr10-74976176-T-G. GRCh37 (hg19) VCF-style: chr10-76735934-T-G.
Other names: c.1839T>G, p.Ile613Met (NM_001370136.1, NM_001370137.1); c.1117+722T>G (NM_001370139.1, NM_001370140.1, NM_001370141.1 and 3 more transcripts); c.1444+395T>G (NM_001370138.1, NM_001256468.2); c.846+6401T>G (NM_001370133.1); c.193-3048T>G (NM_001370134.1); c.929-1140T>G (NM_001370143.1, NM_001370144.1); c.193-12843T>G (NM_001370135.1); short protein forms I613M.
Identifiers: ClinVar variation 2086118 (VCV002086118.4), dbSNP rs2548956761, ClinGen allele CA377288690.

ClinVar aggregate classification (germline): Uncertain significance (1 of 4 stars; one submission).

Conditions:
Genitopatellar syndrome (GTPTS). Also called: ABSENT PATELLAE, SCROTAL HYPOPLASIA, RENAL ANOMALIES, FACIAL DYSMORPHISM, AND MENTAL RETARDATION; Genitopatellar syndrome (GPS). Identifiers: Orphanet 85201, MedGen C1853566, MONDO:0011640, OMIM 606170.

Allele frequency attached by ClinVar (database versions not stated): gnomAD exomes 0.00001.
gnomAD v4.1: 10 of 1,614,222 alleles (0.00062%); highest among the groups gnomAD compares: Non-Finnish European, 0.00085%; no homozygotes.

Submission:

Labcorp Genetics (formerly Invitae), Labcorp
Classification: Uncertain significance for Genitopatellar syndrome. Last evaluated: 2025-02-03. Review status: criteria provided, single submitter. Criteria: Invitae Variant Classification Sherloc (09022015). Collection method: clinical testing. Allele origin: germline.
Comment: This sequence change replaces isoleucine, which is neutral and non-polar, with methionine, which is neutral and non-polar, at codon 613 of the KAT6B protein (p.Ile613Met). This variant is not present in population databases (gnomAD no frequency). This variant has not been reported in the literature in individuals affected with KAT6B-related conditions. ClinVar contains an entry for this variant (Variation ID: 2086118). An algorithm developed to predict the effect of missense changes on protein structure and function (PolyPhen-2) suggests that this variant is likely to be tolerated. In summary, the available evidence is currently insufficient to determine the role of this variant in disease. Therefore, it has been classified as a Variant of Uncertain Significance.